The following is an entry in ClinVar:

NM_001379200.1(TBX1):c.583G>A (p.Asp195Asn)

Gene: TBX1 (T-box transcription factor 1; plus strand). Cytogenetic location: 22q11.21.
Variant type: single nucleotide variant.
Coding change: c.583G>A on transcript NM_001379200.1 (MANE Select); coding-DNA position 583, G replaced by A.
Protein change: p.Asp195Asn; replaces aspartic acid 195 with asparagine.
Molecular consequence: missense variant.
Genome position (GRCh38, 1-based): chr22:19,764,198, G>A. VCF-style: chr22-19764198-G-A. GRCh37 (hg19) VCF-style: chr22-19751721-G-A.
Other names: c.556G>A, p.Asp186Asn (NM_005992.1, NM_080646.2, NM_080647.1); short protein forms D186N, D195N.
Identifiers: ClinVar variation 4615058 (VCV004615058.1).

ClinVar aggregate classification (germline): Uncertain significance (1 of 4 stars; one submission).

Conditions:
Cardiovascular phenotype. Identifiers: MedGen CN230736.

gnomAD v4.1: 2 of 1,612,632 alleles (0.00012%); highest among the groups gnomAD compares: African/African-American, 0.0013%; no homozygotes.

Submission:

Ambry Genetics
Classification: Uncertain significance for Cardiovascular phenotype. Last evaluated: 2025-10-05. Review status: criteria provided, single submitter. Criteria: Ambry Variant Classification Scheme 2023. Collection method: clinical testing. Allele origin: germline.
Comment: The p.D186N variant (also known as c.556G>A), located in coding exon 4 of the TBX1 gene, results from a G to A substitution at nucleotide position 556. The aspartic acid at codon 186 is replaced by asparagine, an amino acid with highly similar properties. This amino acid position is conserved. In addition, the in silico prediction for this alteration is inconclusive. Based on the available evidence, the clinical significance of this variant remains unclear.